The following is an entry in ClinVar:

NM_015346.4(ZFYVE26):c.2692A>T (p.Thr898Ser)

Gene: ZFYVE26 (zinc finger FYVE-type containing 26; minus strand). Cytogenetic location: 14q24.1.
Variant type: single nucleotide variant.
Coding change: c.2692A>T on transcript NM_015346.4 (MANE Select); coding-DNA position 2692, A replaced by T.
Protein change: p.Thr898Ser; replaces threonine 898 with serine.
Molecular consequence: missense variant.
Genome position (GRCh38, 1-based): chr14:67,790,635, T>A on the plus strand (A>T on the coding strand, the complement: ZFYVE26 is on the minus strand). VCF-style: chr14-67790635-T-A. GRCh37 (hg19) VCF-style: chr14-68257352-T-A.
Other names: short protein forms T898S.
Identifiers: ClinVar variation 313909 (VCV000313909.18), dbSNP rs17192170, ClinGen allele CA7240204.

ClinVar aggregate classification (germline): Benign. Review status: criteria provided, multiple submitters, no conflicts (2 of 4 stars). 7 submissions from 7 submitters: Benign (7). Last evaluated 2026-02-03.

Conditions:
Hereditary spastic paraplegia 15 (SPG15). Also called: SPASTIC PARAPLEGIA 15, AUTOSOMAL RECESSIVE; KJELLIN SYNDROME; SPASTIC PARAPLEGIA AND RETINAL DEGENERATION. Identifiers: Orphanet 100996, MedGen C1849128, MONDO:0010044, OMIM 270700.
Spastic paraplegia. Identifiers: MedGen C0037772, HP:0001258.

Allele frequency attached by ClinVar (database versions not stated): 1000 Genomes Project 30x 0.04138; 1000 Genomes Project 0.04293; TOPMed 0.07935; gnomAD 0.08863 and 0.09199; ESP Exome Variant Server 0.08873; ExAC 0.09030; gnomAD exomes 0.09139 and 0.11840.
gnomAD v4.1: 185,645 of 1,614,134 alleles (12%); highest among the groups gnomAD compares: Non-Finnish European, 13%; 11,951 homozygotes.

Submissions (7):

Labcorp Genetics (formerly Invitae), Labcorp
Classification: Benign for Spastic paraplegia. Last evaluated: 2026-02-03. Review status: criteria provided, single submitter. Criteria: Invitae Variant Classification Sherloc (09022015). Collection method: clinical testing. Allele origin: germline.

Genome-Nilou Lab
Classification: Benign for Hereditary spastic paraplegia 15. Last evaluated: 2021-12-05. Review status: criteria provided, single submitter. Criteria: ACMG Guidelines, 2015. Collection method: clinical testing. Allele origin: germline. Affected: no.

Illumina Laboratory Services, Illumina
Classification: Benign for Hereditary spastic paraplegia 15. Last evaluated: 2018-01-12. Review status: criteria provided, single submitter. Criteria: ICSL Variant Classification Criteria 13 December 2019. Collection method: clinical testing. Allele origin: germline.
Comment: This variant was observed in the ICSL laboratory as part of a predisposition screen in an ostensibly healthy population. It had not been previously curated by ICSL or reported in the Human Gene Mutation Database (HGMD: prior to June 1st, 2018), and was therefore a candidate for classification through an automated scoring system. Utilizing variant allele frequency, disease prevalence and penetrance estimates, and inheritance mode, an automated score was calculated to assess if this variant is too frequent to cause the disease. Based on the score and internal cut-off values, a variant classified as benign is not then subjected to further curation. The score for this variant resulted in a classification of benign for this disease.

Athena Diagnostics
Classification: Benign. Last evaluated: 2017-07-24. Review status: criteria provided, single submitter. Criteria: Athena Diagnostics Criteria. Collection method: clinical testing. Allele origin: germline.

GeneDx
Classification: Benign. Last evaluated: 2016-03-03. Review status: criteria provided, single submitter. Criteria: GeneDx Variant Classification (06012015). Collection method: clinical testing. Allele origin: germline. Affected: yes.
Comment: This variant is considered likely benign or benign based on one or more of the following criteria: it is a conservative change, it occurs at a poorly conserved position in the protein, it is predicted to be benign by multiple in silico algorithms, and/or has population frequency not consistent with disease.

Mayo Clinic Laboratories, Mayo Clinic
Classification: Benign. Last evaluated: 2016-03-01. Review status: criteria provided, single submitter. Criteria: ACMG Guidelines, 2015. Collection method: clinical testing. Allele origin: germline. Observed: 357 variant alleles.

Breakthrough Genomics
Classification: Benign. Review status: criteria provided, single submitter. Criteria: ACMG Guidelines, 2015. Collection method: not provided. Allele origin: germline. Inheritance: Autosomal recessive inheritance. Affected: yes.